The following is an entry in ClinVar:

NM_001365951.3(KIF1B):c.3517G>A (p.Ala1173Thr)

Gene: KIF1B (kinesin family member 1B; plus strand). Cytogenetic location: 1p36.22.
Variant type: single nucleotide variant.
Coding change: c.3517G>A on transcript NM_001365951.3 (MANE Select); coding-DNA position 3517, G replaced by A.
Protein change: p.Ala1173Thr; replaces alanine 1173 with threonine.
Molecular consequence: missense variant.
Genome position (GRCh38, 1-based): chr1:10,342,053, G>A. VCF-style: chr1-10342053-G-A. GRCh37 (hg19) VCF-style: chr1-10402111-G-A.
Other names: c.3517G>A, p.Ala1173Thr (NM_001365952.1); c.3379G>A, p.Ala1127Thr (NM_015074.3); short protein forms A1127T, A1173T.
Identifiers: ClinVar variation 2497104 (VCV002497104.3), dbSNP rs2521751830, ClinGen allele CA338341480.
Genomic context (GRCh38, chr1:10,342,053, plus strand): 5'-ATTGAAGCAAAAATGTGTATTTTCTTGTAATCTTTTCCTAATCTTGCTTGGCTTTAGATT[G>A]CAGTGGAGATCACTGAATCATTTGTGGATTACATCAAAACCAAGCCTATTGTATTTGAAG-3'
Protein context (NP_001352880.1, residues 1163-1183): PLAFYHVQNI[Ala1173Thr]VEITESFVDY

ClinVar aggregate classification (germline): Uncertain significance (1 of 4 stars; one submission).

gnomAD v4.1: 1 of 1,578,884 alleles (0.000063%); no homozygotes.

Submission:

Ambry Genetics
Classification: Uncertain significance. Last evaluated: 2025-06-07. Review status: criteria provided, single submitter. Criteria: Ambry Variant Classification Scheme 2023. Collection method: clinical testing. Allele origin: germline.
Comment: The p.A1127T variant (also known as c.3379G>A), located in coding exon 30 of the KIF1B gene, results from a G to A substitution at nucleotide position 3379. The alanine at codon 1127 is replaced by threonine, an amino acid with similar properties. This amino acid position is conserved. In addition, this alteration is predicted to be tolerated by in silico analysis. Since supporting evidence is limited at this time, the clinical significance of this alteration remains unclear.